The following is an entry in ClinVar:

NM_004646.4(NPHS1):c.3589C>T (p.Gln1197Ter)

Gene: NPHS1 (NPHS1 adhesion molecule, nephrin; minus strand). Cytogenetic location: 19q13.12.
Variant type: single nucleotide variant.
Coding change: c.3589C>T on transcript NM_004646.4 (MANE Select); coding-DNA position 3589, C replaced by T.
Protein change: p.Gln1197Ter; replaces glutamine 1197 with a stop codon.
Molecular consequence: nonsense.
Genome position (GRCh38, 1-based): chr19:35,830,849, G>A on the plus strand (C>T on the coding strand, the complement: NPHS1 is on the minus strand). VCF-style: chr19-35830849-G-A. GRCh37 (hg19) VCF-style: chr19-36321751-G-A.
Other names: short protein forms Q1197*.
Identifiers: ClinVar variation 4796596 (VCV004796596.1).

ClinVar aggregate classification (germline): Uncertain significance (1 of 4 stars; one submission).

Conditions:
Finnish congenital nephrotic syndrome (NPHS1). Also called: NEPHROTIC SYNDROME, TYPE 1. Identifiers: Orphanet 839, MedGen C0403399, MONDO:0009732, OMIM 256300.

Submission:

Juno Genomics, Hangzhou Juno Genomics, Inc
Classification: Uncertain significance for Finnish congenital nephrotic syndrome. Review status: criteria provided, single submitter. Criteria: ACMG Guidelines, 2015. Collection method: clinical testing. Allele origin: germline. Affected: yes.
Comment: Absent from controls (or at extremely low frequency if recessive) in Genome Aggregation Database, Exome Sequencing Project, 1000 Genomes Project, or Exome Aggregation Consortium.;Null variant in a gene where loss of function (LOF) is a known mechanism of disease.;For recessive disorders, detected in trans with a pathogenic variant.